The following is an entry in ClinVar:

ClinVar aggregate classification (germline): Uncertain significance (1 of 4 stars; one submission).

Submission:

Labcorp Genetics (formerly Invitae), Labcorp
Classification: Uncertain significance. Last evaluated: 2021-04-20. Review status: criteria provided, single submitter. Criteria: Invitae Variant Classification Sherloc (09022015). Collection method: clinical testing. Allele origin: germline.
Comment: This variant is not present in population databases (ExAC no frequency). This variant has not been reported in the literature in individuals with LBR-related conditions. Advanced modeling of protein sequence and biophysical properties (such as structural, functional, and spatial information, amino acid conservation, physicochemical variation, residue mobility, and thermodynamic stability) performed at Invitae indicates that this missense variant is expected to disrupt LBR protein function. In summary, the available evidence is currently insufficient to determine the role of this variant in disease. Therefore, it has been classified as a Variant of Uncertain Significance. This sequence change replaces proline with serine at codon 569 of the LBR protein (p.Pro569Ser). The proline residue is highly conserved and there is a moderate physicochemical difference between proline and serine.

NM_002296.4(LBR):c.1705C>T (p.Pro569Ser)

Gene: LBR (lamin B receptor; minus strand). Cytogenetic location: 1q42.12.
Variant type: single nucleotide variant.
Coding change: c.1705C>T on transcript NM_002296.4 (MANE Select); coding-DNA position 1705, C replaced by T.
Protein change: p.Pro569Ser; replaces proline 569 with serine.
Molecular consequence: missense variant.
Genome position (GRCh38, 1-based): chr1:225,403,446, G>A on the plus strand (C>T on the coding strand, the complement: LBR is on the minus strand). VCF-style: chr1-225403446-G-A. GRCh37 (hg19) VCF-style: chr1-225591148-G-A.
Other names: c.1705C>T, p.Pro569Ser (NM_194442.3); short protein forms P569S.
Identifiers: ClinVar variation 1345440 (VCV001345440.8), dbSNP rs2150942332, ClinGen allele CA344992726.
Genomic context (GRCh38, chr1:225,403,446, plus strand): 5'-ACTCGTCACGAGCTTCTCGGTGGACAAGCAACATGGTGAAATAAATTATGTAGAAATAAG[G>A]CAGAATGTGGTTAAAACCTGTGGATAATAATAGTACACAGTATTAGATATTTTTATTATC-3'
Protein context (NP_002287.2, residues 559-579): SLPCGFNHIL[Pro569Ser]YFYIIYFTML